The following is an entry in ClinVar:

NM_001252024.2(TRPM1):c.3608G>C (p.Arg1203Pro)

Genes: TRPM1 (transient receptor potential cation channel subfamily M member 1; minus strand), LOC126862088 (BRD4-independent group 4 enhancer GRCh37_chr15:31318084-31319283; plus strand). Cytogenetic location: 15q13.3.
Variant type: single nucleotide variant.
Coding change: c.3608G>C on transcript NM_001252024.2 (MANE Select); coding-DNA position 3608, G replaced by C.
Protein change: p.Arg1203Pro; replaces arginine 1203 with proline.
Molecular consequence: missense variant.
Genome position (GRCh38, 1-based): chr15:31,026,160, C>G on the plus strand (G>C on the coding strand, the complement: TRPM1 is on the minus strand). VCF-style: chr15-31026160-C-G. GRCh37 (hg19) VCF-style: chr15-31318363-C-G.
Other names: c.3659G>C, p.Arg1220Pro (NM_001252020.2); c.3542G>C, p.Arg1181Pro (NM_002420.6); short protein forms R1181P, R1203P, R1220P.
Identifiers: ClinVar variation 1716107 (VCV001716107.6), dbSNP rs766982197, ClinGen allele CA391539914.

ClinVar aggregate classification (germline): Uncertain significance (1 of 4 stars; one submission).

Submission:

Labcorp Genetics (formerly Invitae), Labcorp
Classification: Uncertain significance. Last evaluated: 2022-08-11. Review status: criteria provided, single submitter. Criteria: Invitae Variant Classification Sherloc (09022015). Collection method: clinical testing. Allele origin: germline.
Comment: In summary, the available evidence is currently insufficient to determine the role of this variant in disease. Therefore, it has been classified as a Variant of Uncertain Significance. Algorithms developed to predict the effect of missense changes on protein structure and function (SIFT, PolyPhen-2, Align-GVGD) all suggest that this variant is likely to be disruptive. This variant has not been reported in the literature in individuals affected with TRPM1-related conditions. This variant is not present in population databases (gnomAD no frequency). This sequence change replaces arginine, which is basic and polar, with proline, which is neutral and non-polar, at codon 1181 of the TRPM1 protein (p.Arg1181Pro).